The following is an entry in ClinVar:

ClinVar aggregate classification (germline): Uncertain significance (1 of 4 stars; one submission).

Submission:

GeneDx
Classification: Uncertain significance. Last evaluated: 2023-07-06. Review status: criteria provided, single submitter. Criteria: GeneDx Variant Classification Process June 2021. Collection method: clinical testing. Allele origin: germline. Affected: yes.
Comment: Not observed at significant frequency in large population cohorts (gnomAD); In silico analysis supports that this missense variant does not alter protein structure/function; Has not been previously published as pathogenic or benign to our knowledge

NM_015057.5(MYCBP2):c.9334A>C (p.Met3112Leu)

Gene: MYCBP2 (MYC binding protein 2; minus strand). Cytogenetic location: 13q22.3.
Variant type: single nucleotide variant.
Coding change: c.9334A>C on transcript NM_015057.5 (MANE Select); coding-DNA position 9334, A replaced by C.
Protein change: p.Met3112Leu; replaces methionine 3112 with leucine.
Molecular consequence: missense variant.
Genome position (GRCh38, 1-based): chr13:77,097,820, T>G on the plus strand (A>C on the coding strand, the complement: MYCBP2 is on the minus strand). VCF-style: chr13-77097820-T-G. GRCh37 (hg19) VCF-style: chr13-77671955-T-G.
Other names: short protein forms M3112L.
Identifiers: ClinVar variation 3360709 (VCV003360709.1).